The following is an entry in ClinVar:

NM_203447.4(DOCK8):c.76A>C (p.Lys26Gln)

Gene: DOCK8 (dedicator of cytokinesis 8; plus strand). Cytogenetic location: 9p24.3.
Variant type: single nucleotide variant.
Coding change: c.76A>C on transcript NM_203447.4 (MANE Select); coding-DNA position 76, A replaced by C.
Protein change: p.Lys26Gln; replaces lysine 26 with glutamine.
Molecular consequence: missense variant.
Genome position (GRCh38, 1-based): chr9:271,649, A>C. VCF-style: chr9-271649-A-C. GRCh37 (hg19) VCF-style: chr9-271649-A-C.
Other names: short protein forms K26Q.
Identifiers: ClinVar variation 2919944 (VCV002919944.3), dbSNP rs2048168392, ClinGen allele CA372752257.

ClinVar aggregate classification (germline): Uncertain significance (1 of 4 stars; one submission).

Conditions:
Combined immunodeficiency due to DOCK8 deficiency (HIES2). Also called: HYPER-IgE SYNDROME 2, AUTOSOMAL RECESSIVE, WITH RECURRENT INFECTIONS; DOCK8 Deficiency; HIES autosomal recessive; Hyper-IgE recurrent infection syndrome, autosomal recessive; HYPER-IgE RECURRENT INFECTION SYNDROME 2, AUTOSOMAL RECESSIVE. Identifiers: Orphanet 217390, MedGen C4722305, MONDO:0009478, OMIM 243700.

Allele frequency attached by ClinVar (database versions not stated): gnomAD 0.00001.
gnomAD v4.1: 5 of 1,551,016 alleles (0.00032%); highest among the groups gnomAD compares: Non-Finnish European, 0.00044%; no homozygotes.

Submission:

Labcorp Genetics (formerly Invitae), Labcorp
Classification: Uncertain significance for Combined immunodeficiency due to DOCK8 deficiency. Last evaluated: 2023-10-03. Review status: criteria provided, single submitter. Criteria: Invitae Variant Classification Sherloc (09022015). Collection method: clinical testing. Allele origin: germline.
Comment: This sequence change replaces lysine, which is basic and polar, with glutamine, which is neutral and polar, at codon 26 of the DOCK8 protein (p.Lys26Gln). This variant is not present in population databases (gnomAD no frequency). This variant has not been reported in the literature in individuals affected with DOCK8-related conditions. An algorithm developed to predict the effect of missense changes on protein structure and function (PolyPhen-2) suggests that this variant is likely to be disruptive. In summary, the available evidence is currently insufficient to determine the role of this variant in disease. Therefore, it has been classified as a Variant of Uncertain Significance.